The following is an entry in ClinVar:

NM_000059.4(BRCA2):c.6661A>G (p.Asn2221Asp)

Gene: BRCA2 (BRCA2 DNA repair associated; plus strand). Cytogenetic location: 13q13.1.
Variant type: single nucleotide variant.
Coding change: c.6661A>G on transcript NM_000059.4 (MANE Select); coding-DNA position 6661, A replaced by G.
Protein change: p.Asn2221Asp; replaces asparagine 2221 with aspartic acid.
Molecular consequence: missense variant.
Genome position (GRCh38, 1-based): chr13:32,341,016, A>G. VCF-style: chr13-32341016-A-G. GRCh37 (hg19) VCF-style: chr13-32915153-A-G.
Other names: short protein forms N2221D.
Identifiers: ClinVar variation 1315520 (VCV001315520.3), dbSNP rs1555284785, ClinGen allele CA387790449.
Genomic context (GRCh38, chr13:32,341,016, plus strand): 5'-TCTGATGTTCCTGTGAAAACAAATATAGAAGTTTGTTCTACTTACTCCAAAGATTCAGAA[A>G]ACTACTTTGAAACAGAAGCAGTAGAAATTGCTAAAGCTTTTATGGAAGATGATGAACTGA-3'
Protein context (NP_000050.3, residues 2211-2231): VCSTYSKDSE[Asn2221Asp]YFETEAVEIA

ClinVar aggregate classification (germline): Conflicting classifications of pathogenicity. Review status: criteria provided, conflicting classifications (1 of 4 stars). 2 submissions from 2 submitters: Uncertain significance (1); Likely benign (1). Last evaluated 2023-03-23.

Conditions:
Breast-ovarian cancer, familial, susceptibility to, 2 (BROVCA2). Also called: BRCA2 Hereditary Breast and Ovarian Cancer. Identifiers: Orphanet 145, MedGen C2675520, MONDO:0012933, OMIM 612555. Disease mechanism: loss of function.
Hereditary cancer-predisposing syndrome. Also called: Neoplastic Syndromes, Hereditary; Hereditary Cancer Syndrome; Tumor predisposition; Hereditary neoplastic syndrome. Identifiers: Orphanet 140162, MedGen C0027672, MeSH D009386, MONDO:0015356.

Submissions (2):

University of Washington Department of Laboratory Medicine, University of Washington
Classification: Likely benign for Hereditary cancer-predisposing syndrome. Last evaluated: 2023-03-23. Review status: criteria provided, single submitter. Criteria: Dines et al. (Genet Med. 2020). Collection method: curation. Allele origin: germline.
Comment: Missense variant in a coldspot region where missense variants are very unlikely to be pathogenic (PMID:31911673).

BRCA2 exon 11 coldspot. Reclassification based on statistical prior probability.

Molecular Endocrinology Laboratory, Christian Medical College
Classification: Uncertain significance for Breast-ovarian cancer, familial, susceptibility to, 2. Review status: criteria provided, single submitter. Criteria: ACMG Guidelines, 2015. Collection method: clinical testing. Allele origin: germline. Affected: yes.